The following is an entry in ClinVar:

ClinVar aggregate classification (germline): Uncertain significance (1 of 4 stars; one submission).

Submission:

GeneDx
Classification: Uncertain significance. Last evaluated: 2021-07-02. Review status: criteria provided, single submitter. Criteria: GeneDx Variant Classification Process June 2021. Collection method: clinical testing. Allele origin: germline. Affected: yes.
Comment: Not observed at significant frequency in large population cohorts (Lek et al., 2016); In silico analysis supports that this missense variant does not alter protein structure/function; Has not been previously published as pathogenic or benign to our knowledge; This variant is associated with the following publications: (PMID: 27535533)

NM_020461.4(TUBGCP6):c.788C>G (p.Ala263Gly)

Gene: TUBGCP6 (tubulin gamma complex component 6; minus strand). Cytogenetic location: 22q13.33.
Variant type: single nucleotide variant.
Coding change: c.788C>G on transcript NM_020461.4 (MANE Select); coding-DNA position 788, C replaced by G.
Protein change: p.Ala263Gly; replaces alanine 263 with glycine.
Molecular consequence: missense variant.
Genome position (GRCh38, 1-based): chr22:50,240,321, G>C on the plus strand (C>G on the coding strand, the complement: TUBGCP6 is on the minus strand). VCF-style: chr22-50240321-G-C. GRCh37 (hg19) VCF-style: chr22-50678750-G-C.
Other names: short protein forms A263G.
Identifiers: ClinVar variation 1331155 (VCV001331155.2), dbSNP rs745791632, ClinGen allele CA412112256.